The following is an entry in ClinVar:

NM_001854.4(COL11A1):c.4382T>C (p.Ile1461Thr)

Gene: COL11A1 (collagen type XI alpha 1 chain; minus strand). Cytogenetic location: 1p21.1.
Variant type: single nucleotide variant.
Coding change: c.4382T>C on transcript NM_001854.4 (MANE Select); coding-DNA position 4382, T replaced by C.
Protein change: p.Ile1461Thr; replaces isoleucine 1461 with threonine.
Molecular consequence: missense variant. On other transcripts: non-coding transcript variant (1).
Genome position (GRCh38, 1-based): chr1:102,889,537, A>G on the plus strand (T>C on the coding strand, the complement: COL11A1 is on the minus strand). VCF-style: chr1-102889537-A-G. GRCh37 (hg19) VCF-style: chr1-103355093-A-G.
Other names: c.4265T>C, p.Ile1422Thr (NM_001190709.2); c.4418T>C, p.Ile1473Thr (NM_080629.3); c.4034T>C, p.Ile1345Thr (NM_080630.4); short protein forms I1345T, I1422T, I1461T, I1473T.
Identifiers: ClinVar variation 1700423 (VCV001700423.6), dbSNP rs1651477480, ClinGen allele CA341212746.

ClinVar aggregate classification (germline): Uncertain significance. Review status: criteria provided, multiple submitters, no conflicts (2 of 4 stars). 2 submissions from 2 submitters: Uncertain significance (2). Last evaluated 2023-07-29.

Allele frequency attached by ClinVar (database versions not stated): gnomAD 0.00001; gnomAD exomes 0.00002.
gnomAD v4.1: 12 of 1,613,614 alleles (0.00074%); highest among the groups gnomAD compares: East Asian, 0.027%; no homozygotes.

Submissions (2):

Labcorp Genetics (formerly Invitae), Labcorp
Classification: Uncertain significance. Last evaluated: 2023-07-29. Review status: criteria provided, single submitter. Criteria: Invitae Variant Classification Sherloc (09022015). Collection method: clinical testing. Allele origin: germline.
Comment: This sequence change replaces isoleucine, which is neutral and non-polar, with threonine, which is neutral and polar, at codon 1461 of the COL11A1 protein (p.Ile1461Thr). This variant is not present in population databases (gnomAD no frequency). In summary, the available evidence is currently insufficient to determine the role of this variant in disease. Therefore, it has been classified as a Variant of Uncertain Significance. Algorithms developed to predict the effect of sequence changes on RNA splicing suggest that this variant may disrupt the consensus splice site. Advanced modeling of protein sequence and biophysical properties (such as structural, functional, and spatial information, amino acid conservation, physicochemical variation, residue mobility, and thermodynamic stability) performed at Invitae indicates that this missense variant is not expected to disrupt COL11A1 protein function. ClinVar contains an entry for this variant (Variation ID: 1700423). This variant has not been reported in the literature in individuals affected with COL11A1-related conditions.

GeneDx
Classification: Uncertain significance. Last evaluated: 2022-02-04. Review status: criteria provided, single submitter. Criteria: GeneDx Variant Classification Process June 2021. Collection method: clinical testing. Allele origin: germline. Affected: yes.
Comment: Has not been previously published as pathogenic or benign to our knowledge; Not observed at significant frequency in large population cohorts (gnomAD); In silico analysis supports that this missense variant has a deleterious effect on protein structure/function